The following is an entry in ClinVar:

ClinVar aggregate classification (germline): Likely benign (0 of 4 stars; one submission).

Conditions:
PEAK1-related disorder. Also called: PEAK1-related condition.

Allele frequency attached by ClinVar (database versions not stated): 1000 Genomes Project 30x 0.00016; ESP Exome Variant Server 0.00042; ExAC 0.00048; gnomAD 0.00060; TOPMed 0.00081.
gnomAD v4.1: 1,168 of 1,611,696 alleles (0.072%); highest among the groups gnomAD compares: Admixed American, 0.1%; no homozygotes.

Submission:

PreventionGenetics, part of Exact Sciences
Classification: Likely benign for PEAK1-related condition. Last evaluated: 2019-07-31. Review status: no assertion criteria provided. Collection method: clinical testing. Allele origin: germline.
Comment: This variant is classified as likely benign based on ACMG/AMP sequence variant interpretation guidelines (Richards et al. 2015 PMID: 25741868, with internal and published modifications).

NM_001385026.1(PEAK1):c.3331+8C>T

Gene: PEAK1 (pseudopodium enriched atypical kinase 1; minus strand). Cytogenetic location: 15q24.3.
Variant type: single nucleotide variant.
Coding change: c.3331+8C>T on transcript NM_001385026.1 (MANE Select); 8 bases into the intron after coding-DNA position 3331, C replaced by T.
Molecular consequence: intron variant.
Genome position (GRCh38, 1-based): chr15:77,158,495, G>A on the plus strand (C>T on the coding strand, the complement: PEAK1 is on the minus strand). VCF-style: chr15-77158495-G-A. GRCh37 (hg19) VCF-style: chr15-77450837-G-A.
Other names: c.3331+8C>T (NM_024776.5, NM_001387086.1, NM_001387085.1).
Identifiers: ClinVar variation 3035156 (VCV003035156.2), dbSNP rs199808533, ClinGen allele CA7676811.
Genomic context (GRCh38, chr15:77,158,495, plus strand): 5'-AACAGAACATTTGGCTAGTACAGAAAAAGGCAAAGTTTAAATACTACTTATTGGACATTT[G>A]CACTTACCTAAGTTGCTGTATGTTGCACTACAAGGGTTCGGGTCCATAGGATCTGAAATG-3'